The following is an entry in ClinVar:

ClinVar aggregate classification (germline): Pathogenic (1 of 4 stars; one submission).

Conditions:
Marfan syndrome (MFS). Also called: MARFAN SYNDROME, TYPE I; Marfan syndrome type 1; Marfan's syndrome; Marfan syndrome, classic; FBN1-Related Marfan Syndrome. Identifiers: Orphanet 284963, Orphanet 558, MedGen C0024796, MONDO:0007947, OMIM 154700.
Familial thoracic aortic aneurysm and aortic dissection (TAAD). Also called: Thoracic aortic aneurysms and dissections. Identifiers: Orphanet 91387, MedGen C4707243, MONDO:0019625.

Submission:

Labcorp Genetics (formerly Invitae), Labcorp
Classification: Pathogenic for Marfan syndrome; Familial thoracic aortic aneurysm and aortic dissection. Last evaluated: 2023-12-23. Review status: criteria provided, single submitter. Criteria: Invitae Variant Classification Sherloc (09022015). Collection method: clinical testing. Allele origin: germline.
Comment: This sequence change creates a premature translational stop signal (p.Glu1855*) in the FBN1 gene. It is expected to result in an absent or disrupted protein product. Loss-of-function variants in FBN1 are known to be pathogenic (PMID: 17657824, 19293843). This variant is not present in population databases (gnomAD no frequency). This variant has not been reported in the literature in individuals affected with FBN1-related conditions. For these reasons, this variant has been classified as Pathogenic.

Literature cited by the submitters: PubMed 17657824; PubMed 19293843.

NM_000138.5(FBN1):c.5563G>T (p.Glu1855Ter)

Gene: FBN1 (fibrillin 1; minus strand). Cytogenetic location: 15q21.1.
Variant type: single nucleotide variant.
Coding change: c.5563G>T on transcript NM_000138.5 (MANE Select); coding-DNA position 5563, G replaced by T.
Protein change: p.Glu1855Ter; replaces glutamic acid 1855 with a stop codon.
Molecular consequence: nonsense.
Genome position (GRCh38, 1-based): chr15:48,448,876, C>A on the plus strand (G>T on the coding strand, the complement: FBN1 is on the minus strand). VCF-style: chr15-48448876-C-A. GRCh37 (hg19) VCF-style: chr15-48741073-C-A.
Other names: c.5563G>T, p.Glu1855Ter (NM_001406716.1); short protein forms E1855*.
Identifiers: ClinVar variation 2921664 (VCV002921664.3), dbSNP rs2505463495, ClinGen allele CA392342467.
Genomic context (GRCh38, chr15:48,448,876, plus strand): 5'-GGCAATAAAAGCTTCCAACTGTGTCAATGCACTGCCCATGACTGCATATATTGGGGATTT[C>A]TTGACATTCATTACGATCTGTAAATAAGAAGCATCTTAAGTGAGAACTTAGAAGACAAAA-3'